The following is an entry in ClinVar:

ClinVar aggregate classification (germline): Uncertain significance (1 of 4 stars; one submission).

Conditions:
Familial cold autoinflammatory syndrome 3 (FCAS3). Also called: ANTIBODY DEFICIENCY AND IMMUNE DYSREGULATION, PLCG2-ASSOCIATED; FAMILIAL ATYPICAL COLD URTICARIA. Identifiers: Orphanet 300359, MedGen C3280914, MONDO:0013766, OMIM 614468.

gnomAD v4.1: 3 of 1,559,182 alleles (0.00019%); highest among the groups gnomAD compares: Admixed American, 0.0018%; no homozygotes.

Submission:

Labcorp Genetics (formerly Invitae), Labcorp
Classification: Uncertain significance for Familial cold autoinflammatory syndrome 3. Last evaluated: 2025-08-18. Review status: criteria provided, single submitter. Criteria: Invitae Variant Classification Sherloc (09022015). Collection method: clinical testing. Allele origin: germline.
Comment: This sequence change falls in intron 6 of the PLCG2 gene. It does not directly change the encoded amino acid sequence of the PLCG2 protein. It affects a nucleotide within the consensus splice site. The frequency data for this variant in the population databases is considered unreliable, as metrics indicate poor data quality at this position in the gnomAD database. This variant has not been reported in the literature in individuals affected with PLCG2-related conditions. ClinVar contains an entry for this variant (Variation ID: 3712209). Variants that disrupt the consensus splice site are a relatively common cause of aberrant splicing (PMID: 17576681, 9536098). Algorithms developed to predict the effect of sequence changes on RNA splicing suggest that this variant is not likely to affect RNA splicing. In summary, the available evidence is currently insufficient to determine the role of this variant in disease. Therefore, it has been classified as a Variant of Uncertain Significance.

Literature cited by the submitters: PubMed 17576681; PubMed 9536098.

NM_002661.5(PLCG2):c.565-3C>T

Gene: PLCG2 (phospholipase C gamma 2; plus strand). Cytogenetic location: 16q23.3.
Variant type: single nucleotide variant.
Coding change: c.565-3C>T on transcript NM_002661.5 (MANE Select); 3 bases into the intron before coding-DNA position 565, C replaced by T.
Molecular consequence: intron variant.
Genome position (GRCh38, 1-based): chr16:81,870,849, C>T. VCF-style: chr16-81870849-C-T. GRCh37 (hg19) VCF-style: chr16-81904454-C-T.
Other names: c.565-3C>T (NM_001425749.1, NM_001425750.1, NM_001425751.1).
Identifiers: ClinVar variation 3712209 (VCV003712209.2).